The following is an entry in ClinVar:

ClinVar aggregate classification (germline): Uncertain significance (1 of 4 stars; one submission).

Conditions:
Primary ciliary dyskinesia. Also called: Ciliary dyskinesia. Identifiers: Orphanet 244, MedGen C0008780, MONDO:0016575, HP:0012265.

Submission:

Labcorp Genetics (formerly Invitae), Labcorp
Classification: Uncertain significance for Primary ciliary dyskinesia. Last evaluated: 2019-08-20. Review status: criteria provided, single submitter. Criteria: Invitae Variant Classification Sherloc (09022015). Collection method: clinical testing. Allele origin: germline.
Comment: This variant results in a copy number gain of the genomic region encompassing exons 1-50 of the DNAH5 gene. The duplicated copy of this region has been determined to be in tandem (c.-239740_8448+1dup). This variant has not been reported in the literature in individuals with DNAH5-related conditions. In summary, the available evidence is currently insufficient to determine the role of this variant in disease. Therefore, it has been classified as a Variant of Uncertain Significance.

NC_000005.10:g.(?_13791974)_(13944517_?)dup

Gene: DNAH5 (dynein axonemal heavy chain 5; minus strand). Cytogenetic location: 5p15.2.
Variant type: Duplication.
Identifiers: ClinVar variation 831827 (VCV000831827.1).